The following is an entry in ClinVar:

ClinVar aggregate classification (germline): Likely benign. Review status: criteria provided, single submitter (1 of 4 stars). 2 submissions from 2 submitters: Likely benign (1). 1 of the submissions does not count toward it. Last evaluated 2025-11-01.

Conditions:
LPIN1-related disorder. Also called: LPIN1-related condition.

Allele frequency attached by ClinVar (database versions not stated): TOPMed 0.00005; ExAC 0.00002; ESP Exome Variant Server 0.00008; gnomAD 0.00004.
gnomAD v4.1: 86 of 1,613,356 alleles (0.0053%); highest among the groups gnomAD compares: East Asian, 0.029%; no homozygotes.

Submissions (2):

Labcorp Genetics (formerly Invitae), Labcorp
Classification: Likely benign. Last evaluated: 2025-11-01. Review status: criteria provided, single submitter. Criteria: Invitae Variant Classification Sherloc (09022015). Collection method: clinical testing. Allele origin: germline.

PreventionGenetics, part of Exact Sciences
Classification: Likely benign for LPIN1-related condition. Last evaluated: 2019-10-30. Review status: no assertion criteria provided. Collection method: clinical testing. Allele origin: germline. Not counted in ClinVar's aggregate classification.
Comment: This variant is classified as likely benign based on ACMG/AMP sequence variant interpretation guidelines (Richards et al. 2015 PMID: 25741868, with internal and published modifications).

NM_001349206.2(LPIN1):c.2568C>T (p.Thr856=)

Gene: LPIN1 (lipin 1; plus strand). Cytogenetic location: 2p25.1.
Variant type: single nucleotide variant.
Coding change: c.2568C>T on transcript NM_001349206.2 (MANE Select); coding-DNA position 2568, C replaced by T.
Protein change: p.Thr856=; no amino-acid change (threonine 856 retained).
Molecular consequence: synonymous variant. On other transcripts: non-coding transcript variant (1).
Genome position (GRCh38, 1-based): chr2:11,820,461, C>T. VCF-style: chr2-11820461-C-T. GRCh37 (hg19) VCF-style: chr2-11960587-C-T.
Other names: c.2538C>T, p.Thr846= (NM_001349200.2, NM_001349201.2); c.2565C>T, p.Thr855= (NM_001349202.2, NM_001349203.2); c.2568C>T, p.Thr856= (NM_001349204.2, NM_001349205.2); c.2658C>T, p.Thr886= (NM_001349207.2); c.2607C>T, p.Thr869= (NM_001349208.2); c.2460C>T, p.Thr820= (NM_145693.4, NM_001349199.2); c.2478C>T, p.Thr826= (NM_001261427.3); c.2715C>T, p.Thr905= (NM_001261428.3); and 1 more.
Identifiers: ClinVar variation 2724502 (VCV002724502.5), dbSNP rs369392717, ClinGen allele CA1534132.